The following is an entry in ClinVar:

NM_001283009.2(RTEL1):c.2714A>G (p.Gln905Arg)

Genes: RTEL1 (regulator of telomere elongation helicase 1; plus strand), RTEL1-TNFRSF6B (RTEL1-TNFRSF6B readthrough (NMD candidate); plus strand). Cytogenetic location: 20q13.33.
Variant type: single nucleotide variant.
Coding change: c.2714A>G on transcript NM_001283009.2 (MANE Select); coding-DNA position 2714, A replaced by G.
Protein change: p.Gln905Arg; replaces glutamine 905 with arginine.
Molecular consequence: missense variant. On other transcripts: non-coding transcript variant (1).
Genome position (GRCh38, 1-based): chr20:63,692,866, A>G. VCF-style: chr20-63692866-A-G. GRCh37 (hg19) VCF-style: chr20-62324219-A-G.
Other names: c.2045A>G, p.Gln682Arg (NM_001283010.1); c.2714A>G, p.Gln905Arg (NM_016434.4); c.2786A>G, p.Gln929Arg (NM_032957.5); short protein forms Q682R, Q905R, Q929R.
Identifiers: ClinVar variation 3948242 (VCV003948242.1).

ClinVar aggregate classification (germline): Uncertain significance (1 of 4 stars; one submission).

Conditions:
Inborn genetic diseases. Identifiers: MedGen C0950123, MeSH D030342.

Submission:

Ambry Genetics
Classification: Uncertain significance for Inborn genetic diseases. Last evaluated: 2025-03-24. Review status: criteria provided, single submitter. Criteria: Ambry Variant Classification Scheme 2023. Collection method: clinical testing. Allele origin: germline.
Comment: The p.Q905R variant (also known as c.2714A>G), located in coding exon 28 of the RTEL1 gene, results from an A to G substitution at nucleotide position 2714. The glutamine at codon 905 is replaced by arginine, an amino acid with highly similar properties. This amino acid position is conserved. In addition, this alteration is predicted to be tolerated by in silico analysis. Based on the available evidence, the clinical significance of this variant remains unclear.